The following is an entry in ClinVar:

ClinVar aggregate classification (germline): Uncertain significance (1 of 4 stars; one submission).

Conditions:
WFS1-related disorder. Identifiers: MedGen CN379391, MONDO:0700293.

gnomAD v4.1: 4 of 1,612,668 alleles (0.00025%); highest among the groups gnomAD compares: East Asian, 0.0022%; no homozygotes.

Submission:

PreventionGenetics, part of Exact Sciences
Classification: Uncertain significance for WFS1-related condition. Last evaluated: 2025-11-18. Review status: criteria provided, single submitter. Criteria: ACMG Guidelines, 2015. Collection method: clinical testing. Allele origin: germline.
Comment: The WFS1 c.1664G>A variant is predicted to result in the amino acid substitution p.Gly555Glu. To our knowledge, this variant has not been reported in the literature. This variant is predicted damaging to the encoded protein (Liu et al. 2016. PMID:26555599). This variant is absent in a large population database (gnomAD), indicating this variant is rare. At this time, the clinical significance of this variant is uncertain due to the absence of conclusive functional and genetic evidence.

NM_006005.3(WFS1):c.1664G>A (p.Gly555Glu)

Gene: WFS1 (wolframin ER transmembrane glycoprotein; plus strand). Cytogenetic location: 4p16.1.
Variant type: single nucleotide variant.
Coding change: c.1664G>A on transcript NM_006005.3 (MANE Select); coding-DNA position 1664, G replaced by A.
Protein change: p.Gly555Glu; replaces glycine 555 with glutamic acid.
Molecular consequence: missense variant.
Genome position (GRCh38, 1-based): chr4:6,301,459, G>A. VCF-style: chr4-6301459-G-A. GRCh37 (hg19) VCF-style: chr4-6303186-G-A.
Other names: c.1664G>A, p.Gly555Glu (NM_001145853.1); short protein forms G555E.
Identifiers: ClinVar variation 4993661 (VCV004993661.1).